The following is an entry in ClinVar:

ClinVar aggregate classification (germline): Uncertain significance (1 of 4 stars; one submission).

Conditions:
Familial sleep-related hypermotor epilepsy. Also called: Autosomal Dominant Sleep-Related Hypermotor (Hyperkinetic) Epilepsy. Identifiers: Orphanet 98784, MedGen C3696898, MONDO:0000030.

Submission:

Labcorp Genetics (formerly Invitae), Labcorp
Classification: Uncertain significance. Last evaluated: 2020-04-08. Review status: criteria provided, single submitter. Criteria: Invitae Variant Classification Sherloc (09022015). Collection method: clinical testing. Allele origin: germline.
Comment: In summary, the available evidence is currently insufficient to determine the role of this variant in disease. Therefore, it has been classified as a Variant of Uncertain Significance. Algorithms developed to predict the effect of missense changes on protein structure and function output the following: SIFT: "Tolerated"; PolyPhen-2: "Benign"; Align-GVGD: "Class C0". The aspartic acid amino acid residue is found in multiple mammalian species, suggesting that this missense change does not adversely affect protein function. These predictions have not been confirmed by published functional studies and their clinical significance is uncertain. This variant has not been reported in the literature in individuals with CHRNA4-related conditions. This variant is not present in population databases (ExAC no frequency). This sequence change replaces alanine with aspartic acid at codon 499 of the CHRNA4 protein (p.Ala499Asp). The alanine residue is weakly conserved and there is a moderate physicochemical difference between alanine and aspartic acid.

NM_000744.7(CHRNA4):c.1496C>A (p.Ala499Asp)

Gene: CHRNA4 (cholinergic receptor nicotinic alpha 4 subunit; minus strand). Cytogenetic location: 20q13.33.
Variant type: single nucleotide variant.
Coding change: c.1496C>A on transcript NM_000744.7 (MANE Select); coding-DNA position 1496, C replaced by A.
Protein change: p.Ala499Asp; replaces alanine 499 with aspartic acid.
Molecular consequence: missense variant. On other transcripts: non-coding transcript variant (1).
Genome position (GRCh38, 1-based): chr20:63,349,915, G>T on the plus strand (C>A on the coding strand, the complement: CHRNA4 is on the minus strand). VCF-style: chr20-63349915-G-T. GRCh37 (hg19) VCF-style: chr20-61981267-G-T.
Other names: c.968C>A, p.Ala323Asp (NM_001256573.2); short protein forms A323D, A499D.
Identifiers: ClinVar variation 1061988 (VCV001061988.9), dbSNP rs1191814622, ClinGen allele CA409633326.